The following is an entry in ClinVar:

NM_000292.3(PHKA2):c.3424_3425insT (p.Glu1142fs)

Genes: PHKA2 (phosphorylase kinase regulatory subunit alpha 2; minus strand), PHKA2-AS1 (PHKA2 antisense RNA 1; plus strand). Cytogenetic location: Xp22.13.
Variant type: Insertion.
Coding change: c.3424_3425insT on transcript NM_000292.3 (MANE Select); coding-DNA positions 3424 to 3425, T inserted.
Protein change: p.Glu1142fs; shifts the reading frame from glutamic acid 1142.
Molecular consequence: frameshift variant. On other transcripts: non-coding transcript variant (1).
Genome position: GRCh38 VCF-style: chrX-18894316-T-TA. GRCh37 (hg19) VCF-style: chrX-18912434-T-TA.
Other names: short protein forms E1142fs.
Identifiers: ClinVar variation 940284 (VCV000940284.9), dbSNP rs2047490848, ClinGen allele CA1139667254.

ClinVar aggregate classification (germline): Pathogenic (1 of 4 stars; one submission).

Conditions:
Glycogen storage disease IXa1. Also called: GLYCOGEN STORAGE DISEASE VIII; GSD VIII; Glycogen storage disease 8; LIVER GLYCOGENOSIS, X-LINKED, TYPE I. Identifiers: Orphanet 264580, MedGen C3694531, MONDO:0010598, OMIM 306000.

Submission:

Labcorp Genetics (formerly Invitae), Labcorp
Classification: Pathogenic for Glycogen storage disease IXa1. Last evaluated: 2023-07-14. Review status: criteria provided, single submitter. Criteria: Invitae Variant Classification Sherloc (09022015). Collection method: clinical testing. Allele origin: germline.
Comment: Algorithms developed to predict the effect of sequence changes on RNA splicing suggest that this variant may create or strengthen a splice site. For these reasons, this variant has been classified as Pathogenic. This variant disrupts a region of the PHKA2 protein in which other variant(s) (p.Pro1205Leu) have been determined to be pathogenic (PMID: 7847371, 9870210, 21646031, 21911307, 24055370, 25266922, 28468868). This suggests that this is a clinically significant region of the protein, and that variants that disrupt it are likely to be disease-causing. ClinVar contains an entry for this variant (Variation ID: 940284). This variant has not been reported in the literature in individuals affected with PHKA2-related conditions. This variant is not present in population databases (gnomAD no frequency). This sequence change creates a premature translational stop signal (p.Glu1142Valfs*61) in the PHKA2 gene. While this is not anticipated to result in nonsense mediated decay, it is expected to disrupt the last 94 amino acid(s) of the PHKA2 protein.

Literature cited by the submitters: PubMed 7847371; PubMed 9870210; PubMed 21646031; PubMed 21911307; PubMed 24055370; PubMed 25266922; PubMed 28468868.